The following is an entry in ClinVar:

NM_000136.3(FANCC):c.1234C>G (p.Leu412Val)

Genes: FANCC (FA complementation group C; minus strand), AOPEP (aminopeptidase O (putative); plus strand). Cytogenetic location: 9q22.32.
Variant type: single nucleotide variant.
Coding change: c.1234C>G on transcript NM_000136.3 (MANE Select); coding-DNA position 1234, C replaced by G.
Protein change: p.Leu412Val; replaces leucine 412 with valine.
Molecular consequence: missense variant.
Genome position (GRCh38, 1-based): chr9:95,111,558, G>C on the plus strand (C>G on the coding strand, the complement: FANCC is on the minus strand). VCF-style: chr9-95111558-G-C. GRCh37 (hg19) VCF-style: chr9-97873840-G-C.
Other names: c.1234C>G, p.Leu412Val (NM_001243743.2, NM_001243744.2); short protein forms L412V.
Identifiers: ClinVar variation 3512809 (VCV003512809.1).

ClinVar aggregate classification (germline): Uncertain significance (1 of 4 stars; one submission).

Conditions:
Hereditary cancer-predisposing syndrome. Also called: Tumor predisposition; Neoplastic Syndromes, Hereditary; Hereditary Cancer Syndrome; Hereditary neoplastic syndrome. Identifiers: Orphanet 140162, MedGen C0027672, MeSH D009386, MONDO:0015356.

Submission:

Ambry Genetics
Classification: Uncertain significance for Hereditary cancer-predisposing syndrome. Last evaluated: 2024-11-28. Review status: criteria provided, single submitter. Criteria: Ambry Variant Classification Scheme 2023. Collection method: clinical testing. Allele origin: germline.
Comment: The p.L412V variant (also known as c.1234C>G), located in coding exon 12 of the FANCC gene, results from a C to G substitution at nucleotide position 1234. The leucine at codon 412 is replaced by valine, an amino acid with highly similar properties. This amino acid position is conserved. In addition, this alteration is predicted to be tolerated by in silico analysis. Based on the available evidence, the clinical significance of this variant remains unclear.